The following is an entry in ClinVar:

ClinVar aggregate classification (germline): Pathogenic (1 of 4 stars; one submission).

Conditions:
Gorlin syndrome. Also called: Basal cell nevus syndrome; Nevoid Basal Cell Carcinoma Syndrome. Identifiers: Orphanet 377, MedGen C0004779, MONDO:0007187.

Submission:

Institute of Human Genetics, University of Leipzig Medical Center
Classification: Pathogenic for Basal cell nevus syndrome 1. Last evaluated: 2022-05-13. Review status: criteria provided, single submitter. Criteria: ACMG Guidelines, 2015. Collection method: clinical testing. Allele origin: paternal. Affected: yes.
Comment: Criteria applied: PVS1, PM2_SUP, PP1

NM_000264.5(PTCH1):c.3088_3099delinsTTGGTGTT (p.Phe1031fs)

Gene: PTCH1 (patched 1; minus strand). Cytogenetic location: 9q22.32.
Variant type: Indel.
Coding change: c.3088_3099delinsTTGGTGTT on transcript NM_000264.5 (MANE Select); coding-DNA positions 3088 to 3099, CTGTTCATCAGC replaced by TTGGTGTT.
Protein change: p.Phe1031fs; shifts the reading frame from phenylalanine 1031.
Molecular consequence: frameshift variant. On other transcripts: non-coding transcript variant (1).
Genome position (GRCh38, 1-based): chr9:95,458,082-95,458,093, GCTGATGAACAG replaced by AACACCAA on the plus strand (CTGTTCATCAGC replaced by TTGGTGTT on the coding strand, the reverse complement: PTCH1 is on the minus strand). VCF-style: chr9-95458082-GCTGATGAACAG-AACACCAA. GRCh37 (hg19) VCF-style: chr9-98220364-GCTGATGAACAG-AACACCAA.
Other names: c.2890_2901delinsTTGGTGTT, p.Phe965fs (NM_001083602.3); c.3085_3096delinsTTGGTGTT, p.Phe1030fs (NM_001083603.3); c.2635_2646delinsTTGGTGTT, p.Phe880fs (NM_001083604.3, NM_001083605.3, NM_001083606.3 and 1 more transcripts); c.2932_2943delinsTTGGTGTT, p.Phe979fs (NM_001354918.2); short protein forms F1030fs, F1031fs, F880fs, F965fs, F979fs.
Identifiers: ClinVar variation 1691855 (VCV001691855.1), dbSNP rs1839104595, ClinGen allele CA2573144902.